The following is an entry in ClinVar:

NM_003072.5(SMARCA4):c.4310_4311delinsAA (p.Ser1437Lys)

Gene: SMARCA4 (SWI/SNF related BAF chromatin remodeling complex subunit ATPase 4; plus strand). Cytogenetic location: 19p13.2.
Variant type: Indel.
Coding change: c.4310_4311delinsAA on transcript NM_003072.5 (MANE Select); coding-DNA positions 4310 to 4311, GC replaced by AA.
Protein change: p.Ser1437Lys; replaces serine 1437 with lysine.
Molecular consequence: missense variant. On other transcripts: non-coding transcript variant (1).
Genome position (GRCh38, 1-based): chr19:11,041,446-11,041,447, GC replaced by AA. VCF-style: chr19-11041446-GC-AA. GRCh37 (hg19) VCF-style: chr19-11152122-GC-AA.
Other names: c.4406_4407delinsAA (NM_001128849.1); c.4310_4311delinsAA, p.Ser1437Lys (NM_001128844.3); c.4220_4221delinsAA, p.Ser1407Lys (NM_001128845.2, NM_001128846.2); c.4211_4212delinsAA, p.Ser1404Lys (NM_001128847.4, NM_001128848.2, NM_001374457.1); c.4406_4407delinsAA, p.Ser1469Lys (NM_001128849.3, NM_001387283.1); short protein forms S1404K, S1407K, S1437K, S1469K.
Identifiers: ClinVar variation 221035 (VCV000221035.19), dbSNP rs864622722, ClinGen allele CA348583.

ClinVar aggregate classification (germline): Conflicting classifications of pathogenicity. Review status: criteria provided, conflicting classifications (1 of 4 stars). 5 submissions from 5 submitters: Uncertain significance (4); Likely benign (1). Last evaluated 2026-01-22.

Conditions:
SMARCA4-related disorder. Also called: SMARCA4-related condition.
Hereditary cancer-predisposing syndrome. Also called: Neoplastic Syndromes, Hereditary; Tumor predisposition; Hereditary Cancer Syndrome; Hereditary neoplastic syndrome. Identifiers: Orphanet 140162, MedGen C0027672, MeSH D009386, MONDO:0015356.
Intellectual disability, autosomal dominant 16 (CSS4). Also called: COFFIN-SIRIS SYNDROME 4. Identifiers: Orphanet 1465, MedGen C3553249, MONDO:0013821, OMIM 614609.
Rhabdoid tumor predisposition syndrome 2 (RTPS2). Identifiers: Orphanet 231108, Orphanet 69077, MedGen C2750074, MONDO:0013224, OMIM 613325.

Submissions (5):

Labcorp Genetics (formerly Invitae), Labcorp
Classification: Uncertain significance for Rhabdoid tumor predisposition syndrome 2. Last evaluated: 2026-01-22. Review status: criteria provided, single submitter. Criteria: Invitae Variant Classification Sherloc (09022015). Collection method: clinical testing. Allele origin: germline.
Comment: This sequence change replaces serine, which is neutral and polar, with lysine, which is basic and polar, at codon 1469 of the SMARCA4 protein (p.Ser1469Lys). This variant is present in population databases (no rsID available, gnomAD 0.002%). This variant has not been reported in the literature in individuals affected with SMARCA4-related conditions. ClinVar contains an entry for this variant (Variation ID: 221035). An algorithm developed to predict the effect of missense changes on protein structure and function (PolyPhen-2) suggests that this variant is likely to be tolerated. In summary, the available evidence is currently insufficient to determine the role of this variant in disease. Therefore, it has been classified as a Variant of Uncertain Significance.

PreventionGenetics, part of Exact Sciences
Classification: Uncertain significance for SMARCA4-related condition. Last evaluated: 2024-11-14. Review status: criteria provided, single submitter. Criteria: ACMG Guidelines, 2015. Collection method: clinical testing. Allele origin: germline.
Comment: The SMARCA4 c.4406_4407delinsAA variant is predicted to result in an in-frame deletion and insertion. To our knowledge, this variant has not been reported in the literature or in a large population database (gnomAD), indicating this variant is rare. At this time, the clinical significance of this variant is uncertain due to the absence of conclusive functional and genetic evidence.

Baylor Genetics
Classification: Uncertain significance for Rhabdoid tumor predisposition syndrome 2. Last evaluated: 2024-03-19. Review status: criteria provided, single submitter. Criteria: ACMG Guidelines, 2015. Collection method: clinical testing. Allele origin: unknown.

Genome-Nilou Lab
Classification: Uncertain significance for Intellectual disability, autosomal dominant 16. Last evaluated: 2021-07-15. Review status: criteria provided, single submitter. Criteria: ACMG Guidelines, 2015. Collection method: clinical testing. Allele origin: germline. Affected: no.

Ambry Genetics
Classification: Likely benign for Hereditary cancer-predisposing syndrome. Last evaluated: 2021-01-12. Review status: criteria provided, single submitter. Criteria: Ambry Variant Classification Scheme 2023. Collection method: clinical testing. Allele origin: germline.